The following is an entry in ClinVar:

NM_000135.4(FANCA):c.3527G>A (p.Ser1176Asn)

Gene: FANCA (FA complementation group A; minus strand). Cytogenetic location: 16q24.3.
Variant type: single nucleotide variant.
Coding change: c.3527G>A on transcript NM_000135.4 (MANE Select); coding-DNA position 3527, G replaced by A.
Protein change: p.Ser1176Asn; replaces serine 1176 with asparagine.
Molecular consequence: missense variant.
Genome position (GRCh38, 1-based): chr16:89,745,058, C>T on the plus strand (G>A on the coding strand, the complement: FANCA is on the minus strand). VCF-style: chr16-89745058-C-T. GRCh37 (hg19) VCF-style: chr16-89811466-C-T.
Other names: c.3527G>A, p.Ser1176Asn (NM_001286167.3); short protein forms S1176N.
Identifiers: ClinVar variation 4843020 (VCV004843020.1).
Genomic context (GRCh38, chr16:89,745,058, plus strand): 5'-TCCCGGGGCAGCGGGCTCTGGCAGTGTCTCCTCCACCGGCAGAGCAGCACAGGCTCCAGG[C>T]TCGGCCACCACACCTATGGAGAGAGCACCAGCACACAGATGAGGGTGGCTGAGATGGACA-3'
Protein context (NP_000126.2, residues 1166-1186): ILTSALVWWP[Ser1176Asn]LEPVLLCRWR

ClinVar aggregate classification (germline): Uncertain significance (1 of 4 stars; one submission).

Conditions:
Inborn genetic diseases. Identifiers: MedGen C0950123, MeSH D030342.

Submission:

Ambry Genetics
Classification: Uncertain significance for Inborn genetic diseases. Last evaluated: 2025-12-22. Review status: criteria provided, single submitter. Criteria: Ambry Variant Classification Scheme 2023. Collection method: clinical testing. Allele origin: germline.
Comment: The p.S1176N variant (also known as c.3527G>A), located in coding exon 36 of the FANCA gene, results from a G to A substitution at nucleotide position 3527. The serine at codon 1176 is replaced by asparagine, an amino acid with highly similar properties. This amino acid position is conserved. In addition, this alteration is predicted to be tolerated by in silico analysis. Based on the available evidence, the clinical significance of this variant remains unclear.